The following is an entry in ClinVar:

NM_000093.5(COL5A1):c.3054G>A (p.Gly1018=)

Gene: COL5A1 (collagen type V alpha 1 chain; plus strand). Cytogenetic location: 9q34.3.
Variant type: single nucleotide variant.
Coding change: c.3054G>A on transcript NM_000093.5 (MANE Select); coding-DNA position 3054, G replaced by A.
Protein change: p.Gly1018=; no amino-acid change (glycine 1018 retained).
Molecular consequence: synonymous variant.
Genome position (GRCh38, 1-based): chr9:134,802,935, G>A. VCF-style: chr9-134802935-G-A. GRCh37 (hg19) VCF-style: chr9-137694781-G-A.
Other names: c.3054G>A, p.Gly1018= (NM_001278074.1).
Identifiers: ClinVar variation 379587 (VCV000379587.1), dbSNP rs369163868, ClinGen allele CA16605572.

ClinVar aggregate classification (germline): Likely benign (1 of 4 stars; one submission).

gnomAD v4.1: 1 of 1,611,762 alleles (0.000062%); highest among the groups gnomAD compares: South Asian, 0.0011%; no homozygotes.

Submission:

GeneDx
Classification: Likely benign. Last evaluated: 2016-05-12. Review status: criteria provided, single submitter. Criteria: GeneDx Variant Classification (06012015). Collection method: clinical testing. Allele origin: germline. Affected: yes.
Comment: This variant is considered likely benign or benign based on one or more of the following criteria: it is a conservative change, it occurs at a poorly conserved position in the protein, it is predicted to be benign by multiple in silico algorithms, and/or has population frequency not consistent with disease.